The following is an entry in ClinVar:

ClinVar aggregate classification (germline): Uncertain significance (1 of 4 stars; one submission).

Conditions:
Primary ciliary dyskinesia. Also called: Ciliary dyskinesia. Identifiers: Orphanet 244, MedGen C0008780, MONDO:0016575, HP:0012265.

Submission:

Labcorp Genetics (formerly Invitae), Labcorp
Classification: Uncertain significance for Primary ciliary dyskinesia. Last evaluated: 2020-02-29. Review status: criteria provided, single submitter. Criteria: Invitae Variant Classification Sherloc (09022015). Collection method: clinical testing. Allele origin: germline.
Comment: In summary, the available evidence is currently insufficient to determine the role of this variant in disease. Therefore, it has been classified as a Variant of Uncertain Significance. Algorithms developed to predict the effect of missense changes on protein structure and function are either unavailable or do not agree on the potential impact of this missense change (SIFT: "Tolerated"; PolyPhen-2: "Possibly Damaging"; Align-GVGD: "Class C0"). This variant has not been reported in the literature in individuals with DNAH5-related disease. This variant is not present in population databases (ExAC no frequency). This sequence change replaces aspartic acid with alanine at codon 3540 of the DNAH5 protein (p.Asp3540Ala). The aspartic acid residue is weakly conserved and there is a moderate physicochemical difference between aspartic acid and alanine.

NM_001369.3(DNAH5):c.10619A>C (p.Asp3540Ala)

Gene: DNAH5 (dynein axonemal heavy chain 5; minus strand). Cytogenetic location: 5p15.2.
Variant type: single nucleotide variant.
Coding change: c.10619A>C on transcript NM_001369.3 (MANE Select); coding-DNA position 10619, A replaced by C.
Protein change: p.Asp3540Ala; replaces aspartic acid 3540 with alanine.
Molecular consequence: missense variant.
Genome position (GRCh38, 1-based): chr5:13,753,486, T>G on the plus strand (A>C on the coding strand, the complement: DNAH5 is on the minus strand). VCF-style: chr5-13753486-T-G. GRCh37 (hg19) VCF-style: chr5-13753595-T-G.
Other names: short protein forms D3540A.
Identifiers: ClinVar variation 663884 (VCV000663884.9), dbSNP rs1580068395, ClinGen allele CA359192135.
Genomic context (GRCh38, chr5:13,753,486, plus strand): 5'-TTCTTTCCAAATGGAATTTTCCGGGCTTTCATTTCCTTCCGCCAGTCATTTAACAGAAGA[T>G]CACGAAACTCTTGGTTAAATGGACCAGAATAAGATAGAAAAGCTGTAGCCAACAGTACAT-3'
Protein context (NP_001360.1, residues 3530-3550): YSGPFNQEFR[Asp3540Ala]LLLNDWRKEM